The following is an entry in ClinVar:

ClinVar aggregate classification (germline): Benign. Review status: reviewed by expert panel (3 of 4 stars). 4 submissions from 4 submitters: Benign (1). 3 of the submissions do not count toward it. Last evaluated 2026-08-18.

Conditions:
Alexander disease (ALXDRD). Also called: Alexander's disease. Identifiers: Orphanet 58, MedGen C0270726, MONDO:0008752, OMIM 203450.

Allele frequency attached by ClinVar (database versions not stated): ExAC below 0.00001; TOPMed 0.00014; gnomAD exomes 0.00002; gnomAD 0.00009 and 0.00010.

Submissions (4):

ClinGen Leukodystrophy and Leukoencephalopathy Variant Curation Expert Panel, ClinGen
Classification: Benign for Alexander disease. Last evaluated: 2026-08-18. Review status: reviewed by expert panel. Criteria: ClinGen Leuko ACMG Specifications GFAP V1.0. Collection method: curation. Allele origin: germline. Inheritance: Autosomal dominant inheritance.
Comment: The c.1140C>T (NM_002055.5(GFAP)) variant in GFAP is a synonymous (silent) variant (p.Pro380=) that is not predicted to impact the splice consensus sequence, nor the creation of a new splice site, and the nucleotide is not highly conserved with a phyloP score of <2.27 (BP7). The GrpMax filtering allele frequency in gnomAD v4.1.0 is 0.0001188 from the African/African American genetic ancestry group (the lower threshold of the 95% CI of 21/74738 alleles), which is higher than the ClinGen Leukodystrophy and Leukoencephalopathy Expert Panel Specifications to the ACMG/AMP Variant Interpretation Guidelines for GFAP Version 1.0.0 threshold ≥ 0.01% for BA1, and therefore meets this criterion (BA1). In summary, this variant meets the criteria to be classified as likely benign based on the ACMG/AMP criteria applied, as specified by the ClinGen Leukodystrophy and Leukoencephalopathy VCEP: BA1, BP7 (ClinGen Leukodystrophy and Leukoencephalopathy VCEP Specifications Version 1.0.0).

Labcorp Genetics (formerly Invitae), Labcorp
Classification: Likely benign. Last evaluated: 2025-10-29. Review status: criteria provided, single submitter. Criteria: Invitae Variant Classification Sherloc (09022015). Collection method: clinical testing. Allele origin: germline. Not counted in ClinVar's aggregate classification.

Blueprint Genetics
Classification: Likely benign. Last evaluated: 2024-10-28. Review status: criteria provided, single submitter. Criteria: ACMG Guidelines, 2015. Collection method: clinical testing. Allele origin: germline. Not counted in ClinVar's aggregate classification.

Epithelial Biology;  Institute of Medical Biology, Singapore
No classification provided. Review status: no classification provided. Collection method: not provided. Allele origin: not provided. Not counted in ClinVar's aggregate classification.

NM_002055.5(GFAP):c.1140C>T (p.Pro380=)

Gene: GFAP (glial fibrillary acidic protein; minus strand). Cytogenetic location: 17q21.31.
Variant type: single nucleotide variant.
Coding change: c.1140C>T on transcript NM_002055.5 (MANE Select); coding-DNA position 1140, C replaced by T.
Protein change: p.Pro380=; no amino-acid change (proline 380 retained).
Molecular consequence: synonymous variant.
Genome position (GRCh38, 1-based): chr17:44,910,646, G>A on the plus strand (C>T on the coding strand, the complement: GFAP is on the minus strand). VCF-style: chr17-44910646-G-A. GRCh37 (hg19) VCF-style: chr17-42988014-G-A.
Other names: NM_002055.5(GFAP):c.1140C>T; p.Pro380=; c.1140C>T, p.Pro380= (NM_001131019.3, NM_001242376.3, NM_001363846.2).
Identifiers: ClinVar variation 66446 (VCV000066446.10), dbSNP rs267607527, ClinGen allele CA217126.
Genomic context (GRCh38, chr17:44,910,646, plus strand): 5'-CCCTTCCCACGAGGCCCTGCTGTACTGACCTCGAATCTGCAGGTTGGAGAAGGTCTGCAC[G>A]GGAATGGTGATCCTGAAAGAAAGCAGAGGGAGAGGGCTGCCCGGGCTGCCTGGGACACCC-3'
Protein context (NP_002046.1, residues 370-390): LEGEENRITI[Pro380=]VQTFSNLQIR